The following is an entry in ClinVar:

ClinVar aggregate classification (germline): Benign. Review status: criteria provided, multiple submitters, no conflicts (2 of 4 stars). 2 submissions from 2 submitters: Benign (2). Last evaluated 2017-04-27.

Conditions:
Gamma-aminobutyric acid transaminase deficiency (GABATD). Also called: GABA transaminase deficiency; Gamma aminobutyrate transaminase deficiency; 4 alpha aminobutyrate transaminase deficiency; GABA aminotransaminase deficiency. Identifiers: Orphanet 2066, MedGen C0342708, MONDO:0013166, OMIM 613163.

Allele frequency attached by ClinVar (database versions not stated): gnomAD 0.00205 and 0.00234; gnomAD exomes 0.00290; TOPMed 0.00427; 1000 Genomes Project 0.00579; 1000 Genomes Project 30x 0.00593.
gnomAD v4.1: 1,881 of 677,058 alleles (0.28%); highest among the groups gnomAD compares: Admixed American, 2.5%; 36 homozygotes.

Submissions (2):

Illumina Laboratory Services, Illumina
Classification: Benign for Gamma-aminobutyric acid transaminase deficiency. Last evaluated: 2017-04-27. Review status: criteria provided, single submitter. Criteria: ICSL Variant Classification Criteria 13 December 2019. Collection method: clinical testing. Allele origin: germline.
Comment: This variant was observed as part of a predisposition screen in an ostensibly healthy population. A literature search was performed for the gene, cDNA change, and amino acid change (where applicable). No publications were found based on this search. Allele frequency data from public databases was too high to be consistent with this variant causing disease. Therefore, this variant is classified as benign.

Breakthrough Genomics
Classification: Benign. Review status: criteria provided, single submitter. Criteria: ACMG Guidelines, 2015. Collection method: not provided. Allele origin: germline. Inheritance: Autosomal recessive inheritance. Affected: yes.

NM_020686.6(ABAT):c.*204A>G

Gene: ABAT (4-aminobutyrate aminotransferase; plus strand). Cytogenetic location: 16p13.2.
Variant type: single nucleotide variant.
Coding change: c.*204A>G on transcript NM_020686.6 (MANE Select); 204 bases downstream of the stop codon, A replaced by G.
Molecular consequence: 3 prime UTR variant.
Genome position (GRCh38, 1-based): chr16:8,781,634, A>G. VCF-style: chr16-8781634-A-G. GRCh37 (hg19) VCF-style: chr16-8875491-A-G.
Other names: c.*204A>G (NM_000663.5, NM_001127448.2, NM_001386600.1 and 14 more transcripts); c.*218A>G (NM_001386609.1, NM_001386616.1).
Identifiers: ClinVar variation 887484 (VCV000887484.5), dbSNP rs141010230, ClinGen allele CA277476024.